The following is an entry in ClinVar:

NM_003119.4(SPG7):c.1421A>C (p.His474Pro)

Gene: SPG7 (SPG7 matrix AAA peptidase subunit, paraplegin; plus strand). Cytogenetic location: 16q24.3.
Variant type: single nucleotide variant.
Coding change: c.1421A>C on transcript NM_003119.4 (MANE Select); coding-DNA position 1421, A replaced by C.
Protein change: p.His474Pro; replaces histidine 474 with proline.
Molecular consequence: missense variant.
Genome position (GRCh38, 1-based): chr16:89,544,744, A>C. VCF-style: chr16-89544744-A-C. GRCh37 (hg19) VCF-style: chr16-89611152-A-C.
Other names: c.1421A>C, p.His474Pro (NM_001363850.1); short protein forms H474P.
Identifiers: ClinVar variation 1911315 (VCV001911315.5), dbSNP rs754034178, ClinGen allele CA8244168.
Genomic context (GRCh38, chr16:89,544,744, plus strand): 5'-CCACGAACCGAGCTGACATTTTGGACGGTGCTCTGATGAGGCCAGGCCGACTGGACCGGC[A>C]CGTCTTCATTGATCTCCCCACGCTGCAGGTCAGAGCCAGGATCCCAGCCTCTCCCACTCC-3'
Protein context (NP_003110.1, residues 464-484): ALMRPGRLDR[His474Pro]VFIDLPTLQE

ClinVar aggregate classification (germline): Uncertain significance (1 of 4 stars; one submission).

Conditions:
Hereditary spastic paraplegia 7 (SPG7). Also called: SPG7-related neurologic disorder; Autosomal recessive spastic paraplegia type 7; Spastic paraplegia 7; Hereditary spastic paraplegia Paraplegin type; SPASTIC PARAPLEGIA 7, AUTOSOMAL RECESSIVE, WITH OR WITHOUT CEREBELLAR ATAXIA. Identifiers: Orphanet 99013, MedGen C1846564, MONDO:0011803, OMIM 607259.

Allele frequency attached by ClinVar (database versions not stated): ExAC 0.00001.
gnomAD v4.1: 2 of 1,614,068 alleles (0.00012%); highest among the groups gnomAD compares: Non-Finnish European, 0.00017%; no homozygotes.

Submission:

Labcorp Genetics (formerly Invitae), Labcorp
Classification: Uncertain significance for Hereditary spastic paraplegia 7. Last evaluated: 2022-10-21. Review status: criteria provided, single submitter. Criteria: Invitae Variant Classification Sherloc (09022015). Collection method: clinical testing. Allele origin: germline.
Comment: In summary, the available evidence is currently insufficient to determine the role of this variant in disease. Therefore, it has been classified as a Variant of Uncertain Significance. Advanced modeling of protein sequence and biophysical properties (such as structural, functional, and spatial information, amino acid conservation, physicochemical variation, residue mobility, and thermodynamic stability) performed at Invitae indicates that this missense variant is expected to disrupt SPG7 protein function. This variant has not been reported in the literature in individuals affected with SPG7-related conditions. This variant is present in population databases (rs754034178, gnomAD 0.0009%). This sequence change replaces histidine, which is basic and polar, with proline, which is neutral and non-polar, at codon 474 of the SPG7 protein (p.His474Pro).